The following is an entry in ClinVar:

NM_000059.4(BRCA2):c.10051G>T (p.Ala3351Ser)

Gene: BRCA2 (BRCA2 DNA repair associated; plus strand). Cytogenetic location: 13q13.1.
Variant type: single nucleotide variant.
Coding change: c.10051G>T on transcript NM_000059.4 (MANE Select); coding-DNA position 10051, G replaced by T.
Protein change: p.Ala3351Ser; replaces alanine 3351 with serine.
Molecular consequence: missense variant.
Genome position (GRCh38, 1-based): chr13:32,398,564, G>T. VCF-style: chr13-32398564-G-T. GRCh37 (hg19) VCF-style: chr13-32972701-G-T.
Other names: short protein forms A3351S.
Identifiers: ClinVar variation 1525541 (VCV001525541.8), dbSNP rs786204285, ClinGen allele CA387767837.

ClinVar aggregate classification (germline): Uncertain significance (1 of 4 stars; one submission).

Conditions:
Hereditary breast ovarian cancer syndrome. Also called: Breast and ovarian cancer; BRCA1- and BRCA2-Associated Hereditary Breast and Ovarian Cancer; Hereditary breast and ovarian cancer syndrome; Hereditary breast and ovarian cancer; Hereditary breast and ovarian cancer syndrome (HBOC); Hereditary breast and/or ovarian cancer syndrome. Identifiers: Orphanet 145, MedGen C0677776, MeSH D061325, MONDO:0003582. Disease mechanism: loss of function.

Submission:

Labcorp Genetics (formerly Invitae), Labcorp
Classification: Uncertain significance for Hereditary breast ovarian cancer syndrome. Last evaluated: 2021-04-11. Review status: criteria provided, single submitter. Criteria: Invitae Variant Classification Sherloc (09022015). Collection method: clinical testing. Allele origin: germline.
Comment: This sequence change replaces alanine with serine at codon 3351 of the BRCA2 protein (p.Ala3351Ser). The alanine residue is highly conserved and there is a moderate physicochemical difference between alanine and serine. This variant is not present in population databases (ExAC no frequency). This variant has not been reported in the literature in individuals with BRCA2-related conditions. Advanced modeling of protein sequence and biophysical properties (such as structural, functional, and spatial information, amino acid conservation, physicochemical variation, residue mobility, and thermodynamic stability) performed at Invitae indicates that this missense variant is not expected to disrupt BRCA2 protein function. In summary, the available evidence is currently insufficient to determine the role of this variant in disease. Therefore, it has been classified as a Variant of Uncertain Significance.